The following is an entry in ClinVar:

ClinVar aggregate classification (germline): Uncertain significance (1 of 4 stars; one submission).

Conditions:
Hereditary cancer-predisposing syndrome. Also called: Hereditary Cancer Syndrome; Hereditary neoplastic syndrome; Tumor predisposition; Neoplastic Syndromes, Hereditary. Identifiers: Orphanet 140162, MedGen C0027672, MeSH D009386, MONDO:0015356.

Allele frequency attached by ClinVar (database versions not stated): TOPMed below 0.00001.

Submission:

Ambry Genetics
Classification: Uncertain significance for Hereditary cancer-predisposing syndrome. Last evaluated: 2022-01-16. Review status: criteria provided, single submitter. Criteria: Ambry Variant Classification Scheme 2023. Collection method: clinical testing. Allele origin: germline.
Comment: The p.F787L variant (also known as c.2361T>G), located in coding exon 14 of the DICER1 gene, results from a T to G substitution at nucleotide position 2361. The phenylalanine at codon 787 is replaced by leucine, an amino acid with highly similar properties. This amino acid position is conserved. In addition, this alteration is predicted to be tolerated by in silico analysis. Since supporting evidence is limited at this time, the clinical significance of this alteration remains unclear.

NM_177438.3(DICER1):c.2361T>G (p.Phe787Leu)

Gene: DICER1 (dicer 1, ribonuclease III; minus strand). Cytogenetic location: 14q32.13.
Variant type: single nucleotide variant.
Coding change: c.2361T>G on transcript NM_177438.3 (MANE Select); coding-DNA position 2361, T replaced by G.
Protein change: p.Phe787Leu; replaces phenylalanine 787 with leucine.
Molecular consequence: missense variant. On other transcripts: non-coding transcript variant (6).
Genome position (GRCh38, 1-based): chr14:95,108,399, A>C on the plus strand (T>G on the coding strand, the complement: DICER1 is on the minus strand). VCF-style: chr14-95108399-A-C. GRCh37 (hg19) VCF-style: chr14-95574736-A-C.
Other names: c.2361T>G, p.Phe787Leu (NM_001195573.1, NM_001271282.3, NM_001291628.2 and 13 more transcripts); c.2079T>G, p.Phe693Leu (NM_001395686.1); c.1956T>G, p.Phe652Leu (NM_001395687.1, NM_001395688.1, NM_001395689.1 and 2 more transcripts); c.1794T>G, p.Phe598Leu (NM_001395691.1); c.678T>G, p.Phe226Leu (NM_001395697.1); short protein forms F598L, F787L, F226L, F652L, F693L.
Identifiers: ClinVar variation 1790177 (VCV001790177.2), dbSNP rs367950170, ClinGen allele CA390882208.